The following is an entry in ClinVar:

ClinVar aggregate classification (germline): Likely pathogenic (1 of 4 stars; one submission).

Conditions:
MITF-related disorder. Also called: MITF-related condition.

gnomAD v4.1: 13 of 1,378,200 alleles (0.00094%); highest among the groups gnomAD compares: South Asian, 0.0012%; no homozygotes.

Submission:

PreventionGenetics, part of Exact Sciences
Classification: Likely pathogenic for MITF-related condition. Last evaluated: 2025-12-29. Review status: criteria provided, single submitter. Criteria: ACMG Guidelines, 2015. Collection method: clinical testing. Allele origin: germline.
Comment: The MITF c.37C>T variant is predicted to result in premature protein termination (p.Arg13*). This variant has been reported in the heterozygous state in two individuals with hearing loss (Table S2, Ma et al. 2023. PubMed ID: 36597107; Table 1, Gagliardi et al. 2015. PubMed ID: 25850411). This variant is reported in 0.0065% of alleles in individuals of European (Non-Finnish) descent in gnomAD. Nonsense variants in MITF are expected to be pathogenic. Although this variant occurs within the first exon other premature termination variants in this exon have been reported as pathogenic (p.Glu3*, Wang et al. 2023. PubMed ID: 37211999; p.Tyr22*, Minami et al. 2019. PubMed ID: 30978479). This variant is interpreted as likely pathogenic.

NM_001354604.2(MITF):c.104+24177C>T

Gene: MITF (melanocyte inducing transcription factor; plus strand). Cytogenetic location: 3p13.
Variant type: single nucleotide variant.
Coding change: c.104+24177C>T on transcript NM_001354604.2 (MANE Select); 24177 bases into the intron after coding-DNA position 104, C replaced by T.
Molecular consequence: intron variant. On other transcripts: nonsense (1).
Genome position (GRCh38, 1-based): chr3:69,763,878, C>T. VCF-style: chr3-69763878-C-T. GRCh37 (hg19) VCF-style: chr3-69813029-C-T.
Other names: c.37C>T, p.Arg13Ter (NM_006722.3); c.-77+24177C>T (NM_001354607.2); c.-92+24177C>T (NM_001354608.2); c.104+24177C>T (NM_198159.3, NM_001354605.2, NM_001354606.2); c.-53+186C>T (NM_001184967.2); short protein forms R13*.
Identifiers: ClinVar variation 4989791 (VCV004989791.1).